The following is an entry in ClinVar:

ClinVar aggregate classification (germline): Uncertain significance. Review status: criteria provided, multiple submitters, no conflicts (2 of 4 stars). 2 submissions from 2 submitters: Uncertain significance (2). Last evaluated 2023-12-30.

Conditions:
Neurodevelopmental disorder with or without hyperkinetic movements and seizures, autosomal dominant. Also called: Intellectual disability, autosomal dominant 8. Identifiers: MedGen C3280282, MONDO:0013655, OMIM 614254.
GRIN1-related disorder. Also called: GRIN1-related condition.

Submissions (2):

Labcorp Genetics (formerly Invitae), Labcorp
Classification: Uncertain significance for Neurodevelopmental disorder with or without hyperkinetic movements and seizures, autosomal dominant. Last evaluated: 2023-12-30. Review status: criteria provided, single submitter. Criteria: Invitae Variant Classification Sherloc (09022015). Collection method: clinical testing. Allele origin: germline.
Comment: This sequence change replaces proline, which is neutral and non-polar, with serine, which is neutral and polar, at codon 532 of the GRIN1 protein (p.Pro532Ser). This variant is not present in population databases (gnomAD no frequency). This variant has not been reported in the literature in individuals affected with GRIN1-related conditions. ClinVar contains an entry for this variant (Variation ID: 2630963). Advanced modeling of protein sequence and biophysical properties (such as structural, functional, and spatial information, amino acid conservation, physicochemical variation, residue mobility, and thermodynamic stability) has been performed at Invitae for this missense variant, however the output from this modeling did not meet the statistical confidence thresholds required to predict the impact of this variant on GRIN1 protein function. This variant disrupts the p.Pro532 amino acid residue in GRIN1. Other variant(s) that disrupt this residue have been determined to be pathogenic (PMID: 34413877). This suggests that this residue is clinically significant, and that variants that disrupt this residue are likely to be disease-causing. In summary, the available evidence is currently insufficient to determine the role of this variant in disease. Therefore, it has been classified as a Variant of Uncertain Significance.

PreventionGenetics, part of Exact Sciences
Classification: Uncertain significance for GRIN1-related condition. Last evaluated: 2023-09-18. Review status: criteria provided, single submitter. Criteria: ACMG Guidelines, 2015. Collection method: clinical testing. Allele origin: germline.
Comment: The GRIN1 c.1594C>T variant is predicted to result in the amino acid substitution p.Pro532Ser. To our knowledge, this variant has not been reported in the literature or in a large population database, indicating this variant is rare. Of note, a different variant impacting the same amino acid (p.Pro532His) has been reported as de novo in a patient with myoclonus and developmental delay (Zhang et al. 2021. PubMed ID: 34413877). Although we suspect that the c.1594C>T (p.Pro532Ser) variant may be pathogenic, at this time, the clinical significance of this variant is uncertain due to the absence of conclusive functional and genetic evidence.

Literature cited by the submitters: PubMed 34413877 (cited by Labcorp Genetics (formerly Invitae), Labcorp).

NM_007327.4(GRIN1):c.1594C>T (p.Pro532Ser)

Gene: GRIN1 (glutamate ionotropic receptor NMDA type subunit 1; plus strand). Cytogenetic location: 9q34.3.
Variant type: single nucleotide variant.
Coding change: c.1594C>T on transcript NM_007327.4 (MANE Select); coding-DNA position 1594, C replaced by T.
Protein change: p.Pro532Ser; replaces proline 532 with serine.
Molecular consequence: missense variant.
Genome position (GRCh38, 1-based): chr9:137,162,050, C>T. VCF-style: chr9-137162050-C-T. GRCh37 (hg19) VCF-style: chr9-140056502-C-T.
Other names: c.1594C>T, p.Pro532Ser (NM_000832.7, NM_021569.4); c.1657C>T, p.Pro553Ser (NM_001185090.2, NM_001185091.2); short protein forms P532S, P553S.
Identifiers: ClinVar variation 2630963 (VCV002630963.4), dbSNP rs2538634860, ClinGen allele CA375717469.